The following is an entry in ClinVar:

ClinVar aggregate classification (germline): Uncertain significance. Review status: criteria provided, single submitter (1 of 4 stars). 2 submissions from 2 submitters: Uncertain significance (1). 1 of the submissions does not count toward it. Last evaluated 2024-05-08.

Conditions:
Primary ciliary dyskinesia. Also called: Ciliary dyskinesia. Identifiers: Orphanet 244, MedGen C0008780, MONDO:0016575, HP:0012265.

Allele frequency attached by ClinVar (database versions not stated): gnomAD exomes 0.00001 and 0.00002; TOPMed 0.00002; gnomAD 0.00003.
gnomAD v4.1: 40 of 1,614,094 alleles (0.0025%); highest among the groups gnomAD compares: Non-Finnish European, 0.0031%; no homozygotes.

Submissions (2):

Labcorp Genetics (formerly Invitae), Labcorp
Classification: Uncertain significance for Primary ciliary dyskinesia. Last evaluated: 2024-05-08. Review status: criteria provided, single submitter. Criteria: Invitae Variant Classification Sherloc (09022015). Collection method: clinical testing. Allele origin: germline.
Comment: This sequence change replaces arginine, which is basic and polar, with tryptophan, which is neutral and slightly polar, at codon 97 of the DNAI2 protein (p.Arg97Trp). This variant is present in population databases (no rsID available, gnomAD 0.003%). This variant has not been reported in the literature in individuals affected with DNAI2-related conditions. ClinVar contains an entry for this variant (Variation ID: 642256). Advanced modeling of protein sequence and biophysical properties (such as structural, functional, and spatial information, amino acid conservation, physicochemical variation, residue mobility, and thermodynamic stability) performed at Invitae indicates that this missense variant is expected to disrupt DNAI2 protein function with a positive predictive value of 80%. In summary, the available evidence is currently insufficient to determine the role of this variant in disease. Therefore, it has been classified as a Variant of Uncertain Significance.

Natera, Inc.
Classification: Uncertain significance for Primary ciliary dyskinesia. Last evaluated: 2021-04-06. Review status: no assertion criteria provided. Collection method: clinical testing. Allele origin: germline. Not counted in ClinVar's aggregate classification.

NM_023036.6(DNAI2):c.289C>T (p.Arg97Trp)

Gene: DNAI2 (dynein axonemal intermediate chain 2; plus strand). Cytogenetic location: 17q25.1.
Variant type: single nucleotide variant.
Coding change: c.289C>T on transcript NM_023036.6 (MANE Select); coding-DNA position 289, C replaced by T.
Protein change: p.Arg97Trp; replaces arginine 97 with tryptophan.
Molecular consequence: missense variant. On other transcripts: non-coding transcript variant (1).
Genome position (GRCh38, 1-based): chr17:74,285,145, C>T. VCF-style: chr17-74285145-C-T. GRCh37 (hg19) VCF-style: chr17-72281284-C-T.
Other names: c.289C>T, p.Arg97Trp (NM_001172810.3, NM_001353167.2); short protein forms R97W.
Identifiers: ClinVar variation 642256 (VCV000642256.9), dbSNP rs1162719665, ClinGen allele CA400903803.
Genomic context (GRCh38, chr17:74,285,145, plus strand): 5'-GTCGAGGGGGGCTGGCCCAAGGACGTGAACCCCCTGGAGCTGGAGCAGACCATCCGTTTC[C>T]GGAAGAAAGTGGAGAAAGATGAGAACTACGTTAACGCCATCATGCAGCTCGGCTCTGTAA-3'
Protein context (NP_075462.3, residues 87-107): PLELEQTIRF[Arg97Trp]KKVEKDENYV